The following is an entry in ClinVar:

ClinVar aggregate classification (germline): Pathogenic. Review status: criteria provided, multiple submitters, no conflicts (2 of 4 stars). 4 submissions from 4 submitters: Pathogenic (4). Last evaluated 2024-04-10.

Conditions:
Hereditary nonpolyposis colorectal neoplasms. Identifiers: MedGen C0009405, MeSH D003123.
Lynch syndrome 4 (LYNCH4). Also called: Colorectal cancer, hereditary nonpolyposis, type 4; Hereditary non-polyposis colorectal cancer, type 4. Identifiers: Orphanet 144, MedGen C1838333, MONDO:0013699, OMIM 614337. Disease mechanism: loss of function.
Hereditary cancer-predisposing syndrome. Also called: Hereditary Cancer Syndrome; Hereditary neoplastic syndrome; Tumor predisposition; Neoplastic Syndromes, Hereditary. Identifiers: Orphanet 140162, MedGen C0027672, MeSH D009386, MONDO:0015356.

Submissions (4):

Labcorp Genetics (formerly Invitae), Labcorp
Classification: Pathogenic for Hereditary nonpolyposis colorectal neoplasms. Last evaluated: 2024-04-10. Review status: criteria provided, single submitter. Criteria: Invitae Variant Classification Sherloc (09022015). Collection method: clinical testing. Allele origin: germline.
Comment: This sequence change creates a premature translational stop signal (p.Arg646Glyfs*19) in the PMS2 gene. It is expected to result in an absent or disrupted protein product. Loss-of-function variants in PMS2 are known to be pathogenic (PMID: 21376568, 24362816). This variant is not present in population databases (gnomAD no frequency). This variant has not been reported in the literature in individuals affected with PMS2-related conditions. ClinVar contains an entry for this variant (Variation ID: 843334). For these reasons, this variant has been classified as Pathogenic.

Myriad Genetics, Inc.
Classification: Pathogenic for Lynch syndrome 4. Last evaluated: 2023-09-21. Review status: criteria provided, single submitter. Criteria: Myriad Autosomal Dominant, Autosomal Recessive and X-Linked Classification Criteria (2023). Collection method: clinical testing. Allele origin: unknown.
Comment: This variant is considered pathogenic. This variant creates a frameshift predicted to result in premature protein truncation.

Quest Diagnostics Nichols Institute San Juan Capistrano
Classification: Pathogenic. Last evaluated: 2020-07-01. Review status: criteria provided, single submitter. Criteria: Quest Diagnostics criteria. Collection method: clinical testing. Allele origin: unknown.
Comment: This frameshift variant causes the premature termination of PMS2 protein synthesis. The variant has not been reported in the published literature. Based on the available information, the variant is classified as pathogenic.

Ambry Genetics
Classification: Pathogenic for Hereditary cancer-predisposing syndrome. Last evaluated: 2019-06-29. Review status: criteria provided, single submitter. Criteria: Ambry Variant Classification Scheme 2023. Collection method: clinical testing. Allele origin: germline.
Comment: The c.1936delA pathogenic mutation, located in coding exon 11 of the PMS2 gene, results from a deletion of one nucleotide at nucleotide position 1936, causing a translational frameshift with a predicted alternate stop codon (p.R646Gfs*19). This alteration is expected to result in loss of function by premature protein truncation or nonsense-mediated mRNA decay. As such, this alteration is interpreted as a disease-causing mutation.

Literature cited by the submitters: PubMed 21376568 (cited by Labcorp Genetics (formerly Invitae), Labcorp); PubMed 24362816 (cited by Labcorp Genetics (formerly Invitae), Labcorp).

NM_000535.7(PMS2):c.1936del (p.Arg646fs)

Gene: PMS2 (PMS1 homolog 2, mismatch repair system component; minus strand). Cytogenetic location: 7p22.1.
Variant type: Deletion.
Coding change: c.1936del on transcript NM_000535.7 (MANE Select); coding-DNA position 1936, one base deleted (A; older notation c.1936delA).
Protein change: p.Arg646fs; shifts the reading frame from arginine 646.
Molecular consequence: frameshift variant. On other transcripts: non-coding transcript variant (1).
Genome position (GRCh38, 1-based): chr7:5,986,829, T deleted on the plus strand (A on the coding strand, the reverse complement: PMS2 is on the minus strand). VCF-style (leftmost placement, unchanged base first): chr7-5986828-CT-C. GRCh37 (hg19) VCF-style: chr7-6026459-CT-C.
Other names: c.1531del, p.Arg511fs (NM_001322003.2, NM_001322004.2, NM_001322005.2 and 1 more transcripts); c.1780del, p.Arg594fs (NM_001322006.2); c.1618del, p.Arg540fs (NM_001322007.2, NM_001322008.2); c.1375del, p.Arg459fs (NM_001322010.2); c.1003del, p.Arg335fs (NM_001322011.2, NM_001322012.2); c.1363del, p.Arg455fs (NM_001322013.2); c.1936del, p.Arg646fs (NM_001322014.2); c.1627del, p.Arg543fs (NM_001322015.2); and 1 more; short protein forms R455fs, R335fs, R511fs, R540fs, R459fs, R543fs, R594fs, R646fs.
Identifiers: ClinVar variation 843334 (VCV000843334.13), dbSNP rs1782934080, ClinGen allele CA916079938.